The following is an entry in ClinVar:

ClinVar aggregate classification (germline): Uncertain significance (1 of 4 stars; one submission).

Conditions:
Hereditary spastic paraplegia 11. Also called: Spastic paraplegia, mental retardation and thin corpus callosum; Spastic Paraplegia 11; Nakamura Osame syndrome; Autosomal recessive hereditary spastic paraplegia, mental impairment, and thin corpus callosum; SPASTIC PARAPLEGIA, AUTOSOMAL RECESSIVE, COMPLICATED, WITH THIN CORPUS CALLOSUM; SPASTIC PARAPLEGIA, AUTOSOMAL RECESSIVE, WITH MENTAL IMPAIRMENT AND THIN CORPUS CALLOSUM. Identifiers: Orphanet 2822, MedGen C1858479, MONDO:0011445, OMIM 604360.

Allele frequency attached by ClinVar (database versions not stated): gnomAD exomes below 0.00001; gnomAD 0.00001.
gnomAD v4.1: 1 of 1,613,820 alleles (0.000062%); highest among the groups gnomAD compares: African/African-American, 0.0013%; no homozygotes.

Submission:

Labcorp Genetics (formerly Invitae), Labcorp
Classification: Uncertain significance for Hereditary spastic paraplegia 11. Last evaluated: 2025-04-20. Review status: criteria provided, single submitter. Criteria: Invitae Variant Classification Sherloc (09022015). Collection method: clinical testing. Allele origin: germline.
Comment: This sequence change replaces glycine, which is neutral and non-polar, with glutamic acid, which is acidic and polar, at codon 509 of the SPG11 protein (p.Gly509Glu). This variant is present in population databases (no rsID available, gnomAD 0.003%). This variant has not been reported in the literature in individuals affected with SPG11-related conditions. ClinVar contains an entry for this variant (Variation ID: 1368727). Invitae Evidence Modeling of protein sequence and biophysical properties (such as structural, functional, and spatial information, amino acid conservation, physicochemical variation, residue mobility, and thermodynamic stability) has been performed for this missense variant. However, the output from this modeling did not meet the statistical confidence thresholds required to predict the impact of this variant on SPG11 protein function. In summary, the available evidence is currently insufficient to determine the role of this variant in disease. Therefore, it has been classified as a Variant of Uncertain Significance.

NM_025137.4(SPG11):c.1526G>A (p.Gly509Glu)

Gene: SPG11 (SPG11 vesicle trafficking associated, spatacsin; minus strand). Cytogenetic location: 15q21.1.
Variant type: single nucleotide variant.
Coding change: c.1526G>A on transcript NM_025137.4 (MANE Select); coding-DNA position 1526, G replaced by A.
Protein change: p.Gly509Glu; replaces glycine 509 with glutamic acid.
Molecular consequence: missense variant.
Genome position (GRCh38, 1-based): chr15:44,648,942, C>T on the plus strand (G>A on the coding strand, the complement: SPG11 is on the minus strand). VCF-style: chr15-44648942-C-T. GRCh37 (hg19) VCF-style: chr15-44941140-C-T.
Other names: c.1526G>A, p.Gly509Glu (NM_001160227.2); short protein forms G509E.
Identifiers: ClinVar variation 1368727 (VCV001368727.4), dbSNP rs1418238531, ClinGen allele CA392235623.
Genomic context (GRCh38, chr15:44,648,942, plus strand): 5'-GGAATTGAGCACCTTCCCCAGCCATTGAGATGACAAAGAGTGTCCACAGTGCTGGCACTT[C>T]CATGGATCATGAGTCTGTTTAAAAACTCTTCTTGAGTCAAACCAAACAAAATCAGAGAGA-3'
Protein context (NP_079413.3, residues 499-519): EEFLNRLMIH[Gly509Glu]SASTVDTLCH